The following is an entry in ClinVar:

ClinVar aggregate classification (germline): Uncertain significance (1 of 4 stars; one submission).

Conditions:
Hereditary cancer-predisposing syndrome. Also called: Neoplastic Syndromes, Hereditary; Tumor predisposition; Hereditary neoplastic syndrome; Hereditary Cancer Syndrome. Identifiers: Orphanet 140162, MedGen C0027672, MeSH D009386, MONDO:0015356.

Submission:

Ambry Genetics
Classification: Uncertain significance for Hereditary cancer-predisposing syndrome. Last evaluated: 2026-06-30. Review status: criteria provided, single submitter. Criteria: Ambry Variant Classification Scheme 2023. Collection method: clinical testing. Allele origin: germline.
Comment: The p.Q369R variant (also known as c.1106A>G), located in coding exon 8 of the POLD1 gene, results from an A to G substitution at nucleotide position 1106. The glutamine at codon 369 is replaced by arginine, an amino acid with highly similar properties. This amino acid position is conserved. In addition, this alteration is predicted to be tolerated by in silico analysis. Based on the available evidence, the clinical significance of this variant remains unclear.

NM_002691.4(POLD1):c.1106A>G (p.Gln369Arg)

Gene: POLD1 (DNA polymerase delta 1, catalytic subunit; plus strand). Cytogenetic location: 19q13.33.
Variant type: single nucleotide variant.
Coding change: c.1106A>G on transcript NM_002691.4 (MANE Select); coding-DNA position 1106, A replaced by G.
Protein change: p.Gln369Arg; replaces glutamine 369 with arginine.
Molecular consequence: missense variant. On other transcripts: non-coding transcript variant (1).
Genome position (GRCh38, 1-based): chr19:50,403,188, A>G. VCF-style: chr19-50403188-A-G. GRCh37 (hg19) VCF-style: chr19-50906445-A-G.
Other names: c.1106A>G, p.Gln369Arg (NM_001256849.1, NM_001308632.1, NM_001438210.1 and 3 more transcripts); short protein forms Q369R.
Identifiers: ClinVar variation 5026968 (VCV005026968.1).